The following is an entry in ClinVar:

ClinVar aggregate classification (germline): Uncertain significance (1 of 4 stars; one submission).

Conditions:
Hereditary spastic paraplegia. Also called: Familial spastic paraparesis. Identifiers: Orphanet 685, MedGen C0037773, MONDO:0019064. Disease mechanism: loss of function.

Submission:

Labcorp Genetics (formerly Invitae), Labcorp
Classification: Uncertain significance for Hereditary spastic paraplegia. Last evaluated: 2025-04-01. Review status: criteria provided, single submitter. Criteria: Invitae Variant Classification Sherloc (09022015). Collection method: clinical testing. Allele origin: germline.
Comment: This sequence change replaces glutamine, which is neutral and polar, with histidine, which is basic and polar, at codon 310 of the USP8 protein (p.Gln310His). This variant is not present in population databases (gnomAD no frequency). This variant has not been reported in the literature in individuals affected with USP8-related conditions. An algorithm developed to predict the effect of missense changes on protein structure and function (PolyPhen-2) suggests that this variant is likely to be disruptive. In summary, the available evidence is currently insufficient to determine the role of this variant in disease. Therefore, it has been classified as a Variant of Uncertain Significance.

NM_005154.5(USP8):c.930G>T (p.Gln310His)

Gene: USP8 (ubiquitin specific peptidase 8; plus strand). Cytogenetic location: 15q21.2.
Variant type: single nucleotide variant.
Coding change: c.930G>T on transcript NM_005154.5 (MANE Select); coding-DNA position 930, G replaced by T.
Protein change: p.Gln310His; replaces glutamine 310 with histidine.
Molecular consequence: missense variant.
Genome position (GRCh38, 1-based): chr15:50,476,929, G>T. VCF-style: chr15-50476929-G-T. GRCh37 (hg19) VCF-style: chr15-50769126-G-T.
Other names: c.930G>T, p.Gln310His (NM_001128610.3); c.699G>T, p.Gln233His (NM_001283049.2); short protein forms Q233H, Q310H.
Identifiers: ClinVar variation 3662467 (VCV003662467.2).